The following is an entry in ClinVar:

ClinVar aggregate classification (germline): Uncertain significance. Review status: criteria provided, multiple submitters, no conflicts (2 of 4 stars). 2 submissions from 2 submitters: Uncertain significance (2). Last evaluated 2024-05-14.

Conditions:
RYR1-related disorder. Also called: RYR1-related condition; RYR1-related disorders. Identifiers: MedGen CN239331.
Malignant hyperthermia, susceptibility to, 1 (MHS1). Also called: RYR1-Related Malignant Hyperthermia Susceptibility; Malignant hyperthermia suceptibility 1; Anesthesia related hyperthermia; Malignant hyperpyrexia; Fulminating hyperpyrexia; Pharmacogenic myopathy. Identifiers: Orphanet 423, MedGen C2930980, MONDO:0007783, OMIM 145600.

Allele frequency attached by ClinVar (database versions not stated): TOPMed below 0.00001; ExAC 0.00001; gnomAD 0.00001; gnomAD exomes 0.00001.
gnomAD v4.1: 11 of 1,569,652 alleles (0.0007%); highest among the groups gnomAD compares: Non-Finnish European, 0.00088%; no homozygotes.

Submissions (2):

All of Us Research Program, National Institutes of Health
Classification: Uncertain significance for Malignant hyperthermia, susceptibility to, 1. Last evaluated: 2024-05-14. Review status: criteria provided, single submitter. Criteria: ACMG Guidelines, 2015. Collection method: clinical testing. Allele origin: germline. Inheritance: Autosomal dominant inheritance. Observed: 4 variant alleles, 4 heterozygotes.
Comment: This variant causes a G to A nucleotide substitution at the +4 position of intron 16 of the RYR1 gene. To our knowledge, functional studies have not been reported for this variant. This variant has not been reported in individuals affected with RYR1-related disorders in the literature. This variant has been identified in 2/251112 chromosomes in the general population by the Genome Aggregation Database (gnomAD). The available evidence is insufficient to determine the role of this variant in disease conclusively. Therefore, this variant is classified as a Variant of Uncertain Significance.

This study involves interpretation of variants in research participants for the purpose of population health screening. Participant phenotype was not available at the time of variant classification. Additional details can be found in publication PMID: 35346344, PMCID: PMC8962531

Labcorp Genetics (formerly Invitae), Labcorp
Classification: Uncertain significance for RYR1-related disorder. Last evaluated: 2024-03-24. Review status: criteria provided, single submitter. Criteria: Invitae Variant Classification Sherloc (09022015). Collection method: clinical testing. Allele origin: germline.
Comment: This sequence change falls in intron 16 of the RYR1 gene. It does not directly change the encoded amino acid sequence of the RYR1 protein. It affects a nucleotide within the consensus splice site. The frequency data for this variant in the population databases is considered unreliable, as metrics indicate poor data quality at this position in the gnomAD database. This variant has not been reported in the literature in individuals affected with RYR1-related conditions. ClinVar contains an entry for this variant (Variation ID: 1355003). Variants that disrupt the consensus splice site are a relatively common cause of aberrant splicing (PMID: 17576681, 9536098). Algorithms developed to predict the effect of sequence changes on RNA splicing suggest that this variant is not likely to affect RNA splicing. In summary, the available evidence is currently insufficient to determine the role of this variant in disease. Therefore, it has been classified as a Variant of Uncertain Significance.

Literature cited by the submitters: PubMed 17576681 (cited by Labcorp Genetics (formerly Invitae), Labcorp); PubMed 9536098 (cited by Labcorp Genetics (formerly Invitae), Labcorp).

NM_000540.3(RYR1):c.1791+4G>A

Gene: RYR1 (ryanodine receptor 1; plus strand). Cytogenetic location: 19q13.2.
Variant type: single nucleotide variant.
Coding change: c.1791+4G>A on transcript NM_000540.3 (MANE Select); 4 bases into the intron after coding-DNA position 1791, G replaced by A.
Molecular consequence: intron variant.
Genome position (GRCh38, 1-based): chr19:38,455,755, G>A. VCF-style: chr19-38455755-G-A. GRCh37 (hg19) VCF-style: chr19-38946395-G-A.
Other names: c.1791+4G>A (NM_001042723.2).
Identifiers: ClinVar variation 1355003 (VCV001355003.7), dbSNP rs770581392, ClinGen allele CA062417.
Genomic context (GRCh38, chr19:38,455,755, plus strand): 5'-GAGAATCACATCAAGTCCATCATCTCCCTCCTGGACAAGCATGGGAGGAACCACAAGGTC[G>A]GCCCCTCACCCCTGACCTCTCATCCCCTGAACTCTGAATGCTGGCCTCTCCCCAGGGCTC-3'